The following is an entry in ClinVar:

NM_006258.4(PRKG1):c.1676T>C (p.Leu559Pro)

Gene: PRKG1 (protein kinase cGMP-dependent 1; plus strand). Cytogenetic location: 10q21.1.
Variant type: single nucleotide variant.
Coding change: c.1676T>C on transcript NM_006258.4 (MANE Select); coding-DNA position 1676, T replaced by C.
Protein change: p.Leu559Pro; replaces leucine 559 with proline.
Molecular consequence: missense variant.
Genome position (GRCh38, 1-based): chr10:52,282,283, T>C. VCF-style: chr10-52282283-T-C. GRCh37 (hg19) VCF-style: chr10-54042043-T-C.
Other names: c.1631T>C, p.Leu544Pro (NM_001098512.3); c.467T>C, p.Leu156Pro (NM_001374781.1); short protein forms L156P, L544P, L559P.
Identifiers: ClinVar variation 3608994 (VCV003608994.2).

ClinVar aggregate classification (germline): Uncertain significance (1 of 4 stars; one submission).

Conditions:
Aortic aneurysm, familial thoracic 8 (AAT8). Identifiers: MedGen C3809513, MONDO:0014187, OMIM 615436.

gnomAD v4.1: 1 of 1,608,276 alleles (0.000062%); highest among the groups gnomAD compares: Non-Finnish European, 0.000085%; no homozygotes.

Submission:

Labcorp Genetics (formerly Invitae), Labcorp
Classification: Uncertain significance for Aortic aneurysm, familial thoracic 8. Last evaluated: 2024-09-16. Review status: criteria provided, single submitter. Criteria: Invitae Variant Classification Sherloc (09022015). Collection method: clinical testing. Allele origin: germline.
Comment: This sequence change replaces leucine, which is neutral and non-polar, with proline, which is neutral and non-polar, at codon 559 of the PRKG1 protein (p.Leu559Pro). This variant is present in population databases (no rsID available, gnomAD 0.0009%). This variant has not been reported in the literature in individuals affected with PRKG1-related conditions. An algorithm developed to predict the effect of missense changes on protein structure and function (PolyPhen-2) suggests that this variant is likely to be disruptive. In summary, the available evidence is currently insufficient to determine the role of this variant in disease. Therefore, it has been classified as a Variant of Uncertain Significance.